The following is an entry in ClinVar:

NM_004214.5(FIBP):c.285-2A>T

Gene: FIBP (FGF1 intracellular binding protein; minus strand). Cytogenetic location: 11q13.1.
Variant type: single nucleotide variant.
Coding change: c.285-2A>T on transcript NM_004214.5 (MANE Select); the canonical splice acceptor site of the intron before coding-DNA position 285, A replaced by T.
Molecular consequence: splice acceptor variant.
Genome position (GRCh38, 1-based): chr11:65,887,728, T>A on the plus strand (A>T on the coding strand, the complement: FIBP is on the minus strand). VCF-style: chr11-65887728-T-A. GRCh37 (hg19) VCF-style: chr11-65655199-T-A.
Other names: c.285-2A>T (NM_198897.2).
Identifiers: ClinVar variation 3603303 (VCV003603303.1).

ClinVar aggregate classification (germline): Uncertain significance (1 of 4 stars; one submission).

Conditions:
Tall stature-intellectual disability-renal anomalies syndrome. Also called: Thauvin-Robinet-Faivre syndrome. Identifiers: Orphanet 500095, MedGen C4310715, MONDO:0014918, OMIM 617107.

Submission:

Neuberg Centre For Genomic Medicine, NCGM
Classification: Uncertain significance for Tall stature-intellectual disability-renal anomalies syndrome. Last evaluated: 2023-06-22. Review status: criteria provided, single submitter. Criteria: ACMG Guidelines, 2015. Collection method: clinical testing. Allele origin: germline. Inheritance: Autosomal recessive inheritance. Affected: yes.
Comment: The invariant splice acceptor c.285-2A>T in FIBP gene has not been reported previously as a pathogenic variant nor as a benign variant, to our knowledge. The c.285-2A>T variant is absent in gnomAD Exomes. This variant has not been submitted to the ClinVar database. SpliceAI predicts this variant to cause splice acceptor Loss (score). Loss of function variants have been previously reported to be disease causing. As loss of function is not a known mechanism of this gene, this variant is classified as Variant of Uncertain Significance (VUS)